The following is an entry in ClinVar:

NM_003128.3(SPTBN1):c.530A>G (p.Asp177Gly)

Gene: SPTBN1 (spectrin beta, non-erythrocytic 1; plus strand). Cytogenetic location: 2p16.2.
Variant type: single nucleotide variant.
Coding change: c.530A>G on transcript NM_003128.3 (MANE Select); coding-DNA position 530, A replaced by G.
Protein change: p.Asp177Gly; replaces aspartic acid 177 with glycine.
Molecular consequence: missense variant.
Genome position (GRCh38, 1-based): chr2:54,616,262, A>G. VCF-style: chr2-54616262-A-G. GRCh37 (hg19) VCF-style: chr2-54843399-A-G.
Other names: c.491A>G, p.Asp164Gly (NM_178313.3); short protein forms D164G, D177G.
Identifiers: ClinVar variation 3364069 (VCV003364069.2).

ClinVar aggregate classification (germline): Uncertain significance (1 of 4 stars; one submission).

Submission:

GeneDx
Classification: Uncertain significance. Last evaluated: 2026-03-06. Review status: criteria provided, single submitter. Criteria: GeneDx Variant Classification Process June 2021. Collection method: clinical testing. Allele origin: germline.
Comment: Not observed at significant frequency in large population cohorts (gnomAD); In silico analysis supports that this missense variant has a deleterious effect on protein structure/function; Has not been previously published as pathogenic or benign to our knowledge